The following is an entry in ClinVar:

ClinVar aggregate classification (germline): Uncertain significance. Review status: criteria provided, multiple submitters, no conflicts (2 of 4 stars). 3 submissions from 3 submitters: Uncertain significance (3). Last evaluated 2026-09-12.

Conditions:
Cardiovascular phenotype. Identifiers: MedGen CN230736.
Andersen Tawil syndrome (LQT7). Also called: Andersen Syndrome; ANDERSEN CARDIODYSRHYTHMIC PERIODIC PARALYSIS; PERIODIC PARALYSIS, POTASSIUM-SENSITIVE CARDIODYSRHYTHMIC TYPE; LONG QT SYNDROME 7; Potassium-sensitive periodic paralysis, ventricular ectopy, and dysmorphic features. Identifiers: Orphanet 37553, MedGen C1563715, MONDO:0008222, OMIM 170390.
Short QT syndrome type 3. Identifiers: Orphanet 51083, MedGen C1865018, MONDO:0012314, OMIM 609622.

Allele frequency attached by ClinVar (database versions not stated): gnomAD exomes below 0.00001 and 0.00001; ExAC 0.00001.
gnomAD v4.1: 21 of 1,613,962 alleles (0.0013%); highest among the groups gnomAD compares: Non-Finnish European, 0.0018%; no homozygotes.

Submissions (3):

Ambry Genetics
Classification: Uncertain significance for Cardiovascular phenotype. Last evaluated: 2026-09-12. Review status: criteria provided, single submitter. Criteria: Ambry Variant Classification Scheme 2023. Collection method: clinical testing. Allele origin: germline.
Comment: The p.A371E variant (also known as c.1112C>A), located in coding exon 1 of the KCNJ2 gene, results from a C to A substitution at nucleotide position 1112. The alanine at codon 371 is replaced by glutamic acid, an amino acid with dissimilar properties. This amino acid position is conserved. In addition, the in silico prediction for this alteration is inconclusive. Based on the available evidence, the clinical significance of this variant remains unclear.

CeGaT Center for Human Genetics Tuebingen
Classification: Uncertain significance. Last evaluated: 2024-10-01. Review status: criteria provided, single submitter. Criteria: CeGaT Center For Human Genetics Tuebingen Variant Classification Criteria Version 2. Collection method: clinical testing. Allele origin: germline. Affected: yes. Observed: 1 variant allele.
Comment: KCNJ2: PM2

Labcorp Genetics (formerly Invitae), Labcorp
Classification: Uncertain significance for Short QT syndrome type 3; Andersen Tawil syndrome. Last evaluated: 2024-02-02. Review status: criteria provided, single submitter. Criteria: Invitae Variant Classification Sherloc (09022015). Collection method: clinical testing. Allele origin: germline.
Comment: This sequence change replaces alanine, which is neutral and non-polar, with glutamic acid, which is acidic and polar, at codon 371 of the KCNJ2 protein (p.Ala371Glu). The frequency data for this variant in the population databases is considered unreliable, as metrics indicate poor data quality at this position in the gnomAD database. This variant has not been reported in the literature in individuals affected with KCNJ2-related conditions. ClinVar contains an entry for this variant (Variation ID: 468462). An algorithm developed to predict the effect of missense changes on protein structure and function (PolyPhen-2) suggests that this variant is likely to be tolerated. In summary, the available evidence is currently insufficient to determine the role of this variant in disease. Therefore, it has been classified as a Variant of Uncertain Significance.

NM_000891.3(KCNJ2):c.1112C>A (p.Ala371Glu)

Gene: KCNJ2 (potassium inwardly rectifying channel subfamily J member 2; plus strand). Cytogenetic location: 17q24.3.
Variant type: single nucleotide variant.
Coding change: c.1112C>A on transcript NM_000891.3 (MANE Select); coding-DNA position 1112, C replaced by A.
Protein change: p.Ala371Glu; replaces alanine 371 with glutamic acid.
Molecular consequence: missense variant.
Genome position (GRCh38, 1-based): chr17:70,176,151, C>A. VCF-style: chr17-70176151-C-A. GRCh37 (hg19) VCF-style: chr17-68172292-C-A.
Other names: short protein forms A371E.
Identifiers: ClinVar variation 468462 (VCV000468462.23), dbSNP rs780233256, ClinGen allele CA8738795.